The following is an entry in ClinVar:

ClinVar aggregate classification (germline): Uncertain significance. Review status: criteria provided, multiple submitters, no conflicts (2 of 4 stars). 5 submissions from 5 submitters: Uncertain significance (5). Last evaluated 2024-10-21.

Conditions:
Rhizomelic chondrodysplasia punctata type 2 (RCDP2). Also called: DIHYDROXYACETONEPHOSPHATE ACYLTRANSFERASE DEFICIENCY; glyceronephosphate O-acyltransferase (GNPAT) deficiency; Glyceronephosphate O-acyltransferase deficiency; DHAPAT DEFICIENCY; PEROXISOMAL DIHYDROXYACETONEPHOSPHATE ACYLTRANSFERASE DEFICIENCY; Chondrodysplasia punctata, rhizomelic, due to dihydroxyacetonephosphate acyltransferase deficiency. Identifiers: Orphanet 177, Orphanet 309796, MedGen C1857242, MONDO:0100273, OMIM 222765. Disease mechanism: loss of function.

Allele frequency attached by ClinVar (database versions not stated): gnomAD exomes 0.00011 and 0.00016; ExAC 0.00019; ESP Exome Variant Server 0.00008; 1000 Genomes Project 0.00020; gnomAD 0.00006 and 0.00008; 1000 Genomes Project 30x 0.00016; TOPMed 0.00006.
gnomAD v4.1: 175 of 1,613,730 alleles (0.011%); highest among the groups gnomAD compares: South Asian, 0.088%; no homozygotes.

Submissions (5):

Labcorp Genetics (formerly Invitae), Labcorp
Classification: Uncertain significance. Last evaluated: 2024-10-21. Review status: criteria provided, single submitter. Criteria: Invitae Variant Classification Sherloc (09022015). Collection method: clinical testing. Allele origin: germline.
Comment: This sequence change replaces arginine, which is basic and polar, with glutamine, which is neutral and polar, at codon 344 of the GNPAT protein (p.Arg344Gln). This variant is present in population databases (rs375611364, gnomAD 0.07%). This variant has not been reported in the literature in individuals affected with GNPAT-related conditions. ClinVar contains an entry for this variant (Variation ID: 296119). Invitae Evidence Modeling of protein sequence and biophysical properties (such as structural, functional, and spatial information, amino acid conservation, physicochemical variation, residue mobility, and thermodynamic stability) indicates that this missense variant is not expected to disrupt GNPAT protein function with a negative predictive value of 80%. Algorithms developed to predict the effect of sequence changes on RNA splicing suggest that this variant may disrupt the consensus splice site. In summary, the available evidence is currently insufficient to determine the role of this variant in disease. Therefore, it has been classified as a Variant of Uncertain Significance.

Fulgent Genetics
Classification: Uncertain significance for Rhizomelic chondrodysplasia punctata type 2. Last evaluated: 2021-08-10. Review status: criteria provided, single submitter. Criteria: ACMG Guidelines, 2015. Collection method: clinical testing. Allele origin: unknown.

ARUP Laboratories, Molecular Genetics and Genomics, ARUP Laboratories
Classification: Uncertain significance. Last evaluated: 2018-06-26. Review status: criteria provided, single submitter. Criteria: ARUP Molecular Germline Variant Investigation Process. Collection method: clinical testing. Allele origin: germline.
Comment: The GNPAT c.1031G>A; p.Arg344Gln variant (rs375611364), to our knowledge, is not described in the medical literature but contains an entry in ClinVar (Variation ID: 296119). It is observed in the general population at an overall frequency of 0.016% (43/276970 alleles) in the Genome Aggregation Database. The arginine at codon 344 is highly conserved, but computational algorithms (PolyPhen-2: possibly damaging, SIFT: tolerated) are inconclusive on the effect of this variant on protein structure and/or function. Due to limited information regarding this variant, its clinical significance cannot be determined with certainty.

Illumina Laboratory Services, Illumina
Classification: Uncertain significance for Rhizomelic chondrodysplasia punctata type 2. Last evaluated: 2018-01-13. Review status: criteria provided, single submitter. Criteria: ICSL Variant Classification Criteria 13 December 2019. Collection method: clinical testing. Allele origin: germline.

Breakthrough Genomics
Classification: Uncertain significance. Review status: criteria provided, single submitter. Criteria: ACMG Guidelines, 2015. Collection method: not provided. Allele origin: germline. Inheritance: Autosomal recessive inheritance. Affected: yes.

NM_014236.4(GNPAT):c.1031G>A (p.Arg344Gln)

Gene: GNPAT (glyceronephosphate O-acyltransferase; plus strand). Cytogenetic location: 1q42.2.
Variant type: single nucleotide variant.
Coding change: c.1031G>A on transcript NM_014236.4 (MANE Select); coding-DNA position 1031, G replaced by A.
Protein change: p.Arg344Gln; replaces arginine 344 with glutamine.
Molecular consequence: missense variant.
Genome position (GRCh38, 1-based): chr1:231,266,383, G>A. VCF-style: chr1-231266383-G-A. GRCh37 (hg19) VCF-style: chr1-231402129-G-A.
Other names: c.848G>A, p.Arg283Gln (NM_001316350.2); short protein forms R344Q, R283Q.
Identifiers: ClinVar variation 296119 (VCV000296119.17), dbSNP rs375611364, ClinGen allele CA1451943.